The following is an entry in ClinVar:

ClinVar aggregate classification (germline): Uncertain significance. Review status: criteria provided, single submitter (1 of 4 stars). 2 submissions from 2 submitters: Uncertain significance (1). 1 of the submissions does not count toward it. Last evaluated 2023-09-18.

Conditions:
Carcinoma of colon (CRC). Also called: Colonic carcinoma; Colon carcinoma. Identifiers: MedGen C0699790, MONDO:0002032.
PPARG-related disorder. Also called: PPARG-related condition; PPARG-related disorders.

Allele frequency attached by ClinVar (database versions not stated): gnomAD exomes 0.00001 and 0.00002; TOPMed 0.00001; gnomAD 0.00002.

Submissions (2):

PreventionGenetics, part of Exact Sciences
Classification: Uncertain significance for PPARG-related condition. Last evaluated: 2023-09-18. Review status: criteria provided, single submitter. Criteria: ACMG Guidelines, 2015. Collection method: clinical testing. Allele origin: germline.
Comment: The PPARG c.947G>A variant is predicted to result in the amino acid substitution p.Arg316His. This variant has been reported in an individual with colon cancer and in vitro functional studies demonstrate this variant impairs ligand binding (reported as R288H, Sarraf et al. 1999. PubMed ID: 10394368; Egawa et al. 2021. PubMed ID: 34471047). This variant is reported in 0.0033% of alleles in individuals of South Asian descent in gnomAD. At this time, the clinical significance of this variant is uncertain due to the absence of conclusive functional and genetic evidence.

OMIM
Classification: Pathogenic for COLON CANCER, SOMATIC. Last evaluated: 1999-06-01. Review status: no assertion criteria provided. Collection method: literature only. Allele origin: somatic. Not counted in ClinVar's aggregate classification.

Literature cited by the submitters: PubMed 10394368 (cited by OMIM).

NM_138711.6(PPARG):c.857G>A (p.Arg286His)

Gene: PPARG (peroxisome proliferator activated receptor gamma; plus strand). Cytogenetic location: 3p25.2.
Variant type: single nucleotide variant.
Coding change: c.857G>A on transcript NM_138711.6 (MANE Select); coding-DNA position 857, G replaced by A.
Protein change: p.Arg286His; replaces arginine 286 with histidine.
Molecular consequence: missense variant. On other transcripts: intron variant (5).
Genome position (GRCh38, 1-based): chr3:12,416,831, G>A. VCF-style: chr3-12416831-G-A. GRCh37 (hg19) VCF-style: chr3-12458330-G-A.
Other names: R288H; c.947G>A (NM_015869.4); c.857G>A, p.Arg286His (NM_001354666.3, NM_001354667.3, NM_001374263.2 and 3 more transcripts); c.230G>A, p.Arg77His (NM_001354669.2); c.947G>A, p.Arg316His (NM_015869.5); c.729+10750G>A (NM_001374261.3, NM_001374262.3, NM_001330615.4); c.653+10832G>A (NM_001374266.1); c.819+10750G>A (NM_001374265.1); short protein forms R77H, R316H, R286H.
Identifiers: ClinVar variation 8135 (VCV000008135.2), dbSNP rs28936407, ClinGen allele CA250559.